The following is an entry in ClinVar:

ClinVar aggregate classification (germline): Pathogenic. Review status: reviewed by expert panel (3 of 4 stars). 3 submissions from 3 submitters: Pathogenic (1). 2 of the submissions do not count toward it. Last evaluated 2016-10-18.

Conditions:
Breast-ovarian cancer, familial, susceptibility to, 2 (BROVCA2). Also called: BRCA2 Hereditary Breast and Ovarian Cancer. Identifiers: Orphanet 145, MedGen C2675520, MONDO:0012933, OMIM 612555. Disease mechanism: loss of function.

Submissions (3):

Evidence-based Network for the Interpretation of Germline Mutant Alleles (ENIGMA)
Classification: Pathogenic for Breast-ovarian cancer, familial, susceptibility to, 2. Last evaluated: 2016-10-18. Review status: reviewed by expert panel. Criteria: ENIGMA BRCA1/2 Classification Criteria (2015). Collection method: curation. Allele origin: germline.
Comment: Variant allele predicted to encode a truncated non-functional protein.

Consortium of Investigators of Modifiers of BRCA1/2 (CIMBA), c/o University of Cambridge
Classification: Pathogenic for Breast-ovarian cancer, familial, susceptibility to, 2. Last evaluated: 2015-10-02. Review status: criteria provided, single submitter. Criteria: CIMBA Mutation Classification guidelines May 2016. Collection method: clinical testing. Allele origin: germline. Not counted in ClinVar's aggregate classification.

Sharing Clinical Reports Project (SCRP)
Classification: Pathogenic for Breast-ovarian cancer, familial 2. Last evaluated: 2006-11-15. Review status: no assertion criteria provided. Collection method: clinical testing. Allele origin: germline. Not counted in ClinVar's aggregate classification.

NC_000013.11:g.32339077dup

Gene: BRCA2 (BRCA2 DNA repair associated; plus strand). Cytogenetic location: 13q13.1.
Variant type: Duplication.
Genome position: GRCh38 VCF-style: chr13-32339074-T-TA. GRCh37 (hg19) VCF-style: chr13-32913211-T-TA.
Other names: 4950insA; 4950INSA; c.4722dup, p.Asp1575fs (LRG_293t1).
Identifiers: ClinVar variation 252833 (VCV000252833.5), dbSNP rs879255453, ClinGen allele CA10586069.